The following is an entry in ClinVar:

ClinVar aggregate classification (germline): Pathogenic (3 of 4 stars; one submission).

Conditions:
Hereditary factor VIII deficiency disease (HEMA). Also called: HEMOPHILIA, CLASSIC; Hemophilia A; Hemophilia A, congenital; HEM A; Factor 8 deficiency, congenital; AUTOSOMAL HEMOPHILIA A. Identifiers: Orphanet 98878, MedGen C0019069, MONDO:0010602, OMIM 306700.

Submission:

ClinGen Coagulation Factor Deficiency Variant Curation Expert Panel, Clingen
Classification: Pathogenic for Hereditary factor VIII deficiency disease. Last evaluated: 2026-04-10. Review status: reviewed by expert panel. Criteria: ClinGen CoagFactor ACMG Specifications F8 V2.0.0. Collection method: curation. Allele origin: germline. Inheritance: X-linked inheritance.
Comment: The NM_000132.4(F8):c.6752T>C (p.Val2251Ala) is a missense variant in F8 that is absent from from gnomAD v4.1.0 meeting PM2_Supporting. The variant is predicted to have a deleterious effect with a REVEL score of 0.953 meeting PP3. The variant has been observed in at least eight probands in the literature and one proband in an internal laboratory cohort with mild to moderate hemophilia A, both with and without inhibitors meeting PS4_Very_Strong (PMID:41071185, 24553597, 23926300, 20331761, 10910913, internal laboratory cohort). In summary, this variant meets the criteria to be classified as pathogenic for hemophilia A. ACMG/AMP criteria applied, as specified by the Coagulation Factor Deficiency Variant Curation Expert Panel specifications version 2.0.0 for F8: PS4_Very_Strong, PM2_Supporting, PP3.

NM_000132.4(F8):c.6752T>C (p.Val2251Ala)

Gene: F8 (coagulation factor VIII; minus strand). Cytogenetic location: Xq28.
Variant type: single nucleotide variant.
Coding change: c.6752T>C on transcript NM_000132.4 (MANE Select); coding-DNA position 6752, T replaced by C.
Protein change: p.Val2251Ala; replaces valine 2251 with alanine.
Molecular consequence: missense variant.
Genome position (GRCh38, 1-based): chrX:154,860,580, A>G on the plus strand (T>C on the coding strand, the complement: F8 is on the minus strand). VCF-style: chrX-154860580-A-G. GRCh37 (hg19) VCF-style: chrX-154088855-A-G.
Other names: NM_019863.3:c.347T>C; c.347T>C, p.Val116Ala (NM_019863.3); short protein forms V116A, V2251A.
Identifiers: ClinVar variation 4849524 (VCV004849524.1).